The following is an entry in ClinVar:

ClinVar aggregate classification (germline): Likely benign. Review status: criteria provided, multiple submitters, no conflicts (2 of 4 stars). 2 submissions from 2 submitters: Likely benign (2). Last evaluated 2025-12-22.

Conditions:
Primary familial hypertrophic cardiomyopathy (HCM). Identifiers: Orphanet 99739, MedGen C0949658, MeSH D024741, MONDO:0024573. Inheritance: Various modes of inheritance.
Dilated cardiomyopathy 1AA (CMD1AA). Also called: Cardiomyopathy, dilated, 1AA, with or without LVNC; CARDIOMYOPATHY, FAMILIAL HYPERTROPHIC, 23, WITH OR WITHOUT LEFT VENTRICULAR NONCOMPACTION; CARDIOMYOPATHY, DILATED, 1AA, WITH OR WITHOUT LEFT VENTRICULAR NONCOMPACTION. Identifiers: Orphanet 154, MedGen C2677338, MONDO:0012808, OMIM 612158.

Allele frequency attached by ClinVar (database versions not stated): ExAC 0.00001; gnomAD exomes 0.00002; TOPMed 0.00002; gnomAD 0.00005 and 0.00006.
gnomAD v4.1: 74 of 1,609,486 alleles (0.0046%); highest among the groups gnomAD compares: Middle Eastern, 0.033%; no homozygotes.

Submissions (2):

Labcorp Genetics (formerly Invitae), Labcorp
Classification: Likely benign for Primary familial hypertrophic cardiomyopathy; Dilated cardiomyopathy 1AA. Last evaluated: 2025-12-22. Review status: criteria provided, single submitter. Criteria: Invitae Variant Classification Sherloc (09022015). Collection method: clinical testing. Allele origin: germline.

GeneDx
Classification: Likely benign. Last evaluated: 2018-03-09. Review status: criteria provided, single submitter. Criteria: GeneDx Variant Classification (06012015). Collection method: clinical testing. Allele origin: germline. Affected: yes.
Comment: This variant is considered likely benign or benign based on one or more of the following criteria: it is a conservative change, it occurs at a poorly conserved position in the protein, it is predicted to be benign by multiple in silico algorithms, and/or has population frequency not consistent with disease.

NM_001103.4(ACTN2):c.783+17C>T

Gene: ACTN2 (actinin alpha 2; plus strand). Cytogenetic location: 1q43.
Variant type: single nucleotide variant.
Coding change: c.783+17C>T on transcript NM_001103.4 (MANE Select); 17 bases into the intron after coding-DNA position 783, C replaced by T.
Molecular consequence: intron variant.
Genome position (GRCh38, 1-based): chr1:236,735,737, C>T. VCF-style: chr1-236735737-C-T. GRCh37 (hg19) VCF-style: chr1-236899037-C-T.
Other names: c.48+17C>T (NM_001278344.2); c.783+1219C>T (NM_001278343.2).
Identifiers: ClinVar variation 515948 (VCV000515948.9), dbSNP rs780669106, ClinGen allele CA1472932.